The following is an entry in ClinVar:

ClinVar aggregate classification (germline): Uncertain significance (1 of 4 stars; one submission).

Conditions:
Early-infantile DEE. Also called: Early infantile epileptic encephalopathy with suppression bursts; Early infantile epileptic encephalopathy; Ohtahara syndrome. Identifiers: Orphanet 1934, MedGen C0393706, MONDO:0800491.

Submission:

Labcorp Genetics (formerly Invitae), Labcorp
Classification: Uncertain significance for Early-infantile DEE. Last evaluated: 2018-09-06. Review status: criteria provided, single submitter. Criteria: Invitae Variant Classification Sherloc (09022015). Collection method: clinical testing. Allele origin: germline.
Comment: This variant has not been reported in the literature in individuals with CACNA2D2-related disease. In summary, the available evidence is currently insufficient to determine the role of this variant in disease. Therefore, it has been classified as a Variant of Uncertain Significance. Algorithms developed to predict the effect of missense changes on protein structure and function are either unavailable or do not agree on the potential impact of this missense change (SIFT: "Tolerated"; PolyPhen-2: "Benign"; Align-GVGD: "Class C0"). This variant is not present in population databases (ExAC no frequency). This sequence change replaces isoleucine with valine at codon 886 of the CACNA2D2 protein (p.Ile886Val). The isoleucine residue is highly conserved and there is a small physicochemical difference between isoleucine and valine.

NM_006030.4(CACNA2D2):c.2656A>G (p.Ile886Val)

Genes: CACNA2D2 (calcium voltage-gated channel auxiliary subunit alpha2delta 2; minus strand), LOC101928965 (uncharacterized LOC101928965; plus strand), LOC127898564 (CYB561D2-LOC101928965; plus strand). Cytogenetic location: 3p21.31.
Variant type: single nucleotide variant.
Coding change: c.2656A>G on transcript NM_006030.4 (MANE Select); coding-DNA position 2656, A replaced by G.
Protein change: p.Ile886Val; replaces isoleucine 886 with valine.
Molecular consequence: missense variant. On other transcripts: non-coding transcript variant (3).
Genome position (GRCh38, 1-based): chr3:50,366,320, T>C on the plus strand (A>G on the coding strand, the complement: CACNA2D2 is on the minus strand). VCF-style: chr3-50366320-T-C. GRCh37 (hg19) VCF-style: chr3-50403751-T-C.
Other names: c.2656A>G, p.Ile886Val (NM_001005505.3); c.2677A>G, p.Ile893Val (NM_001174051.3); c.2449A>G, p.Ile817Val (NM_001291101.1); short protein forms I817V, I886V, I893V.
Identifiers: ClinVar variation 644474 (VCV000644474.7), dbSNP rs1575582780, ClinGen allele CA352906880.